The following is an entry in ClinVar:

ClinVar aggregate classification (germline): Uncertain significance (1 of 4 stars; one submission).

Submission:

Labcorp Genetics (formerly Invitae), Labcorp
Classification: Uncertain significance. Last evaluated: 2021-06-01. Review status: criteria provided, single submitter. Criteria: Invitae Variant Classification Sherloc (09022015). Collection method: clinical testing. Allele origin: germline.
Comment: Experimental studies and prediction algorithms are not available or were not evaluated, and the functional significance of this variant is currently unknown. This variant has not been reported in the literature in individuals with DEF6-related conditions. This variant results in a copy number gain of the genomic region encompassing exon(s) 2-11 of the DEF6 gene. The 5' boundary is likely confined to intron 1. The 3' end of this event is unknown as it extends beyond the assayed region for this gene and therefore may encompass additional genes. As the precise location of this event is unknown, it may be in tandem or it may be located elsewhere in the genome. In summary, the available evidence is currently insufficient to determine the role of this variant in disease. Therefore, it has been classified as a Variant of Uncertain Significance.

NC_000006.11:g.(?_35277427)_(35289187_?)dup

Gene: DEF6 (DEF6 guanine nucleotide exchange factor; plus strand). Cytogenetic location: 6p21.31.
Variant type: Duplication.
Identifiers: ClinVar variation 1444940 (VCV001444940.4).